The following is an entry in ClinVar:

NM_001256007.3(PNPLA8):c.86delinsAA (p.Leu29fs)

Gene: PNPLA8 (patatin like domain 8, phospholipase A2; minus strand). Cytogenetic location: 7q31.1.
Variant type: Indel.
Coding change: c.86delinsAA on transcript NM_001256007.3 (MANE Select); coding-DNA position 86, T replaced by AA.
Protein change: p.Leu29fs; shifts the reading frame from leucine 29.
Molecular consequence: frameshift variant. On other transcripts: 5 prime UTR variant (2).
Genome position (GRCh38, 1-based): chr7:108,515,406, A replaced by TT on the plus strand (T replaced by AA on the coding strand, the reverse complement: PNPLA8 is on the minus strand). VCF-style: chr7-108515406-A-TT. GRCh37 (hg19) VCF-style: chr7-108155850-A-TT.
Other names: c.86delinsAA, p.Leu29fs (NM_001256008.3, NM_001256009.3, NM_015723.5); c.-215delinsAA (NM_001256010.3, NM_001256011.3); short protein forms L29fs.
Identifiers: ClinVar variation 2632596 (VCV002632596.2), dbSNP rs2552117876, ClinGen allele CA2695199616.

ClinVar aggregate classification (germline): Pathogenic/Likely pathogenic. Review status: criteria provided, multiple submitters, no conflicts (2 of 4 stars). 2 submissions from 2 submitters: Pathogenic (1); Likely pathogenic (1). Last evaluated 2025-12-09.

Conditions:
Mitochondrial myopathy-lactic acidosis-deafness syndrome. Identifiers: Orphanet 2597, MedGen C1855033, MONDO:0016825, OMIM 251950.
PNPLA8-related disorder. Also called: PNPLA8-related condition.

Submissions (2):

Women's Health and Genetics/Laboratory Corporation of America, LabCorp
Classification: Pathogenic for Mitochondrial myopathy-lactic acidosis-deafness syndrome. Last evaluated: 2025-12-09. Review status: criteria provided, single submitter. Criteria: LabCorp Variant Classification Summary - May 2015. Collection method: clinical testing. Allele origin: germline.
Comment: Variant summary: PNPLA8 c.86delinsAA (p.Leu29GlnfsX8) results in a premature termination codon, predicted to cause absence of the protein due to nonsense mediated decay, which is a commonly known mechanism for disease. The variant was absent in 249382 control chromosomes. To our knowledge, no occurrence of c.86delinsAA in individuals affected with PNPLA8-related conditions and no experimental evidence demonstrating its impact on protein function have been reported. ClinVar contains an entry for this variant (Variation ID: 2632596). Based on the evidence outlined above, the variant was classified as pathogenic.

PreventionGenetics, part of Exact Sciences
Classification: Likely pathogenic for PNPLA8-related condition. Last evaluated: 2023-06-19. Review status: criteria provided, single submitter. Criteria: ACMG Guidelines, 2015. Collection method: clinical testing. Allele origin: germline.
Comment: The PNPLA8 c.86delinsAA variant is predicted to result in a frameshift and premature protein termination (p.Leu29Glnfs*8). To our knowledge, this variant has not been reported in the literature or in a large population database, indicating this variant is rare. Frameshift variants in PNPLA8 are expected to be pathogenic (Shukla et al. 2018. PubMed ID: 29681094). This variant is interpreted as likely pathogenic.